The following is an entry in ClinVar:

ClinVar aggregate classification (germline): Uncertain significance (1 of 4 stars; one submission).

Allele frequency attached by ClinVar (database versions not stated): gnomAD exomes below 0.00001.
gnomAD v4.1: 10 of 1,548,932 alleles (0.00065%); highest among the groups gnomAD compares: Admixed American, 0.0037%; no homozygotes.

Submission:

Labcorp Genetics (formerly Invitae), Labcorp
Classification: Uncertain significance. Last evaluated: 2022-09-01. Review status: criteria provided, single submitter. Criteria: Invitae Variant Classification Sherloc (09022015). Collection method: clinical testing. Allele origin: germline.
Comment: This variant has not been reported in the literature in individuals affected with CEP78-related conditions. This variant is present in population databases (no rsID available, gnomAD 0.004%). This sequence change replaces isoleucine, which is neutral and non-polar, with valine, which is neutral and non-polar, at codon 354 of the CEP78 protein (p.Ile354Val). ClinVar contains an entry for this variant (Variation ID: 1420106). In summary, the available evidence is currently insufficient to determine the role of this variant in disease. Therefore, it has been classified as a Variant of Uncertain Significance. Algorithms developed to predict the effect of missense changes on protein structure and function are either unavailable or do not agree on the potential impact of this missense change (SIFT: "Tolerated"; PolyPhen-2: "Probably Damaging"; Align-GVGD: "Class C0").

NM_001330691.3(CEP78):c.1060A>G (p.Ile354Val)

Gene: CEP78 (centrosomal protein 78; plus strand). Cytogenetic location: 9q21.2.
Variant type: single nucleotide variant.
Coding change: c.1060A>G on transcript NM_001330691.3 (MANE Select); coding-DNA position 1060, A replaced by G.
Protein change: p.Ile354Val; replaces isoleucine 354 with valine.
Molecular consequence: missense variant.
Genome position (GRCh38, 1-based): chr9:78,248,864, A>G. VCF-style: chr9-78248864-A-G. GRCh37 (hg19) VCF-style: chr9-80863780-A-G.
Other names: c.1060A>G, p.Ile354Val (NM_001098802.3, NM_001330693.3, NM_001330694.2 and 4 more transcripts); short protein forms I354V.
Identifiers: ClinVar variation 1420106 (VCV001420106.8), dbSNP rs1203684987, ClinGen allele CA373858098.
Genomic context (GRCh38, chr9:78,248,864, plus strand): 5'-ACTGCTAAACAGAAAAGGAGAACTATAATTCTAGGAAGTGGTCACAAAGGAAAAGCTACT[A>G]TTAGAATTGGTAACCTTTTCTGTCTTGGCTTTTTAATGCTACTAGTGTTCTAGTGTGTTA-3'
Protein context (NP_001317620.1, residues 344-364): LGSGHKGKAT[Ile354Val]RIGLATKKPV